The following is an entry in ClinVar:

NM_006514.4(SCN10A):c.2476G>A (p.Asp826Asn)

Gene: SCN10A (sodium voltage-gated channel alpha subunit 10; minus strand). Cytogenetic location: 3p22.2.
Variant type: single nucleotide variant.
Coding change: c.2476G>A on transcript NM_006514.4 (MANE Select); coding-DNA position 2476, G replaced by A.
Protein change: p.Asp826Asn; replaces aspartic acid 826 with asparagine.
Molecular consequence: missense variant.
Genome position (GRCh38, 1-based): chr3:38,728,706, C>T on the plus strand (G>A on the coding strand, the complement: SCN10A is on the minus strand). VCF-style: chr3-38728706-C-T. GRCh37 (hg19) VCF-style: chr3-38770197-C-T.
Other names: c.2476G>A, p.Asp826Asn (NM_001293306.2); c.2182G>A, p.Asp728Asn (NM_001293307.2); short protein forms D826N, D728N.
Identifiers: ClinVar variation 463241 (VCV000463241.10), dbSNP rs199535863, ClinGen allele CA2320530.

ClinVar aggregate classification (germline): Conflicting classifications of pathogenicity. Review status: criteria provided, conflicting classifications (1 of 4 stars). 3 submissions from 3 submitters: Uncertain significance (1); Likely benign (2). Last evaluated 2025-10-02.

Conditions:
Cardiovascular phenotype. Identifiers: MedGen CN230736.
Brugada syndrome. Also called: Sudden unexpected nocturnal death syndrome; Sudden Unexplained Death Syndrome; Sudden Unexplained Nocturnal Death Syndrome (SUNDS); Sudden unexplained nocturnal death syndrome. Identifiers: Orphanet 130, MedGen C1142166, MONDO:0015263.

Allele frequency attached by ClinVar (database versions not stated): TOPMed 0.00009.
gnomAD v4.1: 70 of 1,613,808 alleles (0.0043%); highest among the groups gnomAD compares: Middle Eastern, 0.082%; no homozygotes.

Submissions (3):

Labcorp Genetics (formerly Invitae), Labcorp
Classification: Likely benign for Brugada syndrome. Last evaluated: 2025-10-02. Review status: criteria provided, single submitter. Criteria: Invitae Variant Classification Sherloc (09022015). Collection method: clinical testing. Allele origin: germline.

Ambry Genetics
Classification: Likely benign for Cardiovascular phenotype. Last evaluated: 2021-05-13. Review status: criteria provided, single submitter. Criteria: Ambry Variant Classification Scheme 2023. Collection method: clinical testing. Allele origin: germline.

GeneDx
Classification: Uncertain significance. Last evaluated: 2019-10-16. Review status: criteria provided, single submitter. Criteria: GeneDx Variant Classification Process June 2021. Collection method: clinical testing. Allele origin: germline. Affected: yes.
Comment: Has not been previously published as pathogenic or benign to our knowledge; Reported in ClinVar as a variant of uncertain significance by another clinical laboratory (ClinVar Variant ID# 463241; Landrum et al., 2016); In silico analysis, which includes protein predictors and evolutionary conservation, supports that this variant does not alter protein structure/function